The following is an entry in ClinVar:

ClinVar aggregate classification (germline): Conflicting classifications of pathogenicity. Review status: criteria provided, conflicting classifications (1 of 4 stars). 5 submissions from 5 submitters: Uncertain significance (1); Likely benign (3). 1 of the submissions does not count toward it. Last evaluated 2026-07-01.

Conditions:
CEP57-related disorder. Also called: CEP57-related condition.
Inborn genetic diseases. Identifiers: MedGen C0950123, MeSH D030342.
Mosaic variegated aneuploidy syndrome 2 (MVA2). Identifiers: Orphanet 1052, MedGen C3279843, MONDO:0013582, OMIM 614114.

Allele frequency attached by ClinVar (database versions not stated): gnomAD 0.00011 and 0.00012; TOPMed 0.00034.
gnomAD v4.1: 255 of 1,612,760 alleles (0.016%); highest among the groups gnomAD compares: Admixed American, 0.4%; no homozygotes.

Submissions (5):

CeGaT Center for Human Genetics Tuebingen
Classification: Likely benign. Last evaluated: 2026-07-01. Review status: criteria provided, single submitter. Criteria: CeGaT Center For Human Genetics Tuebingen Variant Classification Criteria Version 2. Collection method: clinical testing. Allele origin: germline. Affected: yes. Observed: 1 variant allele.
Comment: CEP57: BP4

Labcorp Genetics (formerly Invitae), Labcorp
Classification: Likely benign for Mosaic variegated aneuploidy syndrome 2. Last evaluated: 2025-12-15. Review status: criteria provided, single submitter. Criteria: Invitae Variant Classification Sherloc (09022015). Collection method: clinical testing. Allele origin: germline.

Ambry Genetics
Classification: Likely benign for Inborn genetic diseases. Last evaluated: 2024-10-15. Review status: criteria provided, single submitter. Criteria: Ambry Variant Classification Scheme 2023. Collection method: clinical testing. Allele origin: germline.

Baylor Genetics
Classification: Uncertain significance for Mosaic variegated aneuploidy syndrome 2. Last evaluated: 2020-11-23. Review status: criteria provided, single submitter. Criteria: ACMG Guidelines, 2015. Collection method: clinical testing. Allele origin: unknown. Affected: yes. Study: CSER-TexasKidsCanSeq.
Comment: This variant was determined to be of uncertain significance according to ACMG Guidelines, 2015 [PMID:25741868].

PreventionGenetics, part of Exact Sciences
Classification: Likely benign for CEP57-related condition. Last evaluated: 2020-12-08. Review status: no assertion criteria provided. Collection method: clinical testing. Allele origin: germline. Not counted in ClinVar's aggregate classification.
Comment: This variant is classified as likely benign based on ACMG/AMP sequence variant interpretation guidelines (Richards et al. 2015 PMID: 25741868, with internal and published modifications).

NM_014679.5(CEP57):c.764A>G (p.Asn255Ser)

Gene: CEP57 (centrosomal protein 57; plus strand). Cytogenetic location: 11q21.
Variant type: single nucleotide variant.
Coding change: c.764A>G on transcript NM_014679.5 (MANE Select); coding-DNA position 764, A replaced by G.
Protein change: p.Asn255Ser; replaces asparagine 255 with serine.
Molecular consequence: missense variant.
Genome position (GRCh38, 1-based): chr11:95,821,935, A>G. VCF-style: chr11-95821935-A-G. GRCh37 (hg19) VCF-style: chr11-95555099-A-G.
Other names: c.737A>G, p.Asn246Ser (NM_001243776.2); c.764A>G, p.Asn255Ser (NM_001243777.2); c.683A>G, p.Asn228Ser (NM_001363604.2); short protein forms N228S, N246S, N255S.
Identifiers: ClinVar variation 696640 (VCV000696640.17), dbSNP rs768269976, ClinGen allele CA6239588.